The following is an entry in ClinVar:

ClinVar aggregate classification (germline): Pathogenic (1 of 4 stars; one submission).

Conditions:
Neuronal ceroid lipofuscinosis. Also called: Neuronal Ceroid Lipofuscinoses. Identifiers: Orphanet 216, Orphanet 79263, MedGen C0027877, MONDO:0016295. Disease mechanism: loss of function.

Submission:

Labcorp Genetics (formerly Invitae), Labcorp
Classification: Pathogenic for Neuronal ceroid lipofuscinosis. Last evaluated: 2021-10-03. Review status: criteria provided, single submitter. Criteria: Invitae Variant Classification Sherloc (09022015). Collection method: clinical testing. Allele origin: germline.
Comment: For these reasons, this variant has been classified as Pathogenic. This variant has not been reported in the literature in individuals affected with CLN6-related conditions. This variant is not present in population databases (ExAC no frequency). This sequence change creates a premature translational stop signal (p.Tyr50*) in the CLN6 gene. It is expected to result in an absent or disrupted protein product. Loss-of-function variants in CLN6 are known to be pathogenic (PMID: 19135028).

Literature cited by the submitters: PubMed 19135028.

NM_017882.3(CLN6):c.149_150insATCCT (p.Tyr50Ter)

Gene: CLN6 (CLN6 transmembrane ER protein; minus strand). Cytogenetic location: 15q23.
Variant type: Insertion.
Coding change: c.149_150insATCCT on transcript NM_017882.3 (MANE Select); coding-DNA positions 149 to 150, ATCCT inserted.
Protein change: p.Tyr50Ter; replaces tyrosine 50 with a stop codon.
Molecular consequence: nonsense.
Genome position: GRCh38 VCF-style: chr15-68218584-G-GAGGAT. GRCh37 (hg19) VCF-style: chr15-68510922-G-GAGGAT.
Other names: short protein forms Y50*.
Identifiers: ClinVar variation 1400355 (VCV001400355.6), dbSNP rs2141145071, ClinGen allele CA2573151123.